The following is an entry in ClinVar:

ClinVar aggregate classification (germline): Uncertain significance (1 of 4 stars; one submission).

Submission:

Labcorp Genetics (formerly Invitae), Labcorp
Classification: Uncertain significance. Last evaluated: 2024-03-04. Review status: criteria provided, single submitter. Criteria: Invitae Variant Classification Sherloc (09022015). Collection method: clinical testing. Allele origin: germline.
Comment: This sequence change replaces lysine, which is basic and polar, with arginine, which is basic and polar, at codon 1017 of the DIAPH3 protein (p.Lys1017Arg). This variant is present in population databases (rs766596005, gnomAD 0.02%). This missense change has been observed in individual(s) with auditory neuropathy spectrum disorder (PMID: 23562982). Algorithms developed to predict the effect of missense changes on protein structure and function output the following: SIFT: "Not Available"; PolyPhen-2: "Benign"; Align-GVGD: "Not Available". The arginine amino acid residue is found in multiple mammalian species, which suggests that this missense change does not adversely affect protein function. In summary, the available evidence is currently insufficient to determine the role of this variant in disease. Therefore, it has been classified as a Variant of Uncertain Significance.

Literature cited by the submitters: PubMed 23562982.

NM_001042517.2(DIAPH3):c.3050A>G (p.Lys1017Arg)

Gene: DIAPH3 (diaphanous related formin 3; minus strand). Cytogenetic location: 13q21.2.
Variant type: single nucleotide variant.
Coding change: c.3050A>G on transcript NM_001042517.2 (MANE Select); coding-DNA position 3050, A replaced by G.
Protein change: p.Lys1017Arg; replaces lysine 1017 with arginine.
Molecular consequence: missense variant.
Genome position (GRCh38, 1-based): chr13:59,810,901, T>C on the plus strand (A>G on the coding strand, the complement: DIAPH3 is on the minus strand). VCF-style: chr13-59810901-T-C. GRCh37 (hg19) VCF-style: chr13-60385035-T-C.
Other names: c.3017A>G, p.Lys1006Arg (NM_001258366.2); c.2912A>G, p.Lys971Arg (NM_001258367.2); c.2840A>G, p.Lys947Arg (NM_001258368.2); c.3050A>G, p.Lys1017Arg (NM_001258369.2); c.2261A>G, p.Lys754Arg (NM_030932.4); short protein forms K947R, K1006R, K1017R, K754R, K971R.
Identifiers: ClinVar variation 3721347 (VCV003721347.2).